The following is an entry in ClinVar:

NM_000135.4(FANCA):c.1796_1800dup (p.Val601fs)

Gene: FANCA (FA complementation group A; minus strand). Cytogenetic location: 16q24.3.
Variant type: Duplication.
Coding change: c.1796_1800dup on transcript NM_000135.4 (MANE Select); coding-DNA positions 1796 to 1800, 5 bases duplicated (CCCGT; older notation c.1796_1800dupCCCGT).
Protein change: p.Val601fs; shifts the reading frame from valine 601.
Molecular consequence: frameshift variant.
Genome position (GRCh38, 1-based): chr16:89,778,827-89,778,831, ACGGG duplicated on the plus strand (CCCGT on the coding strand, the reverse complement: FANCA is on the minus strand); duplicating any 5 consecutive bases within chr16:89,778,827-89,778,832 gives the same sequence; the c. name uses the placement nearest the transcript's 3' end. VCF-style (leftmost placement, unchanged base first): chr16-89778826-C-CACGGG. GRCh37 (hg19) VCF-style: chr16-89845234-C-CACGGG.
Other names: c.1796_1800dup (LRG_495t1); c.1796_1800dup, p.Val601fs (NM_001286167.3); short protein forms V601fs.
Identifiers: ClinVar variation 555645 (VCV000555645.9), dbSNP rs1555552006, ClinGen allele CA658823881.

ClinVar aggregate classification (germline): Pathogenic. Review status: criteria provided, single submitter (1 of 4 stars). 2 submissions from 2 submitters: Pathogenic (1). 1 of the submissions does not count toward it. Last evaluated 2019-11-15.

Conditions:
Fanconi anemia complementation group A (FANCA). Also called: FANCA-Related Fanconi Anemia; Fanconi anemia, group A. Identifiers: Orphanet 84, MedGen C3469521, MONDO:0009215, OMIM 227650.
Fanconi anemia (FA). Also called: Fanconi's anemia. Identifiers: Orphanet 84, MedGen C0015625, MeSH D005199, MONDO:0019391.

Submissions (2):

Labcorp Genetics (formerly Invitae), Labcorp
Classification: Pathogenic for Fanconi anemia. Last evaluated: 2019-11-15. Review status: criteria provided, single submitter. Criteria: Invitae Variant Classification Sherloc (09022015). Collection method: clinical testing. Allele origin: germline.
Comment: Loss-of-function variants in FANCA are known to be pathogenic (PMID: 19367192). For these reasons, this variant has been classified as Pathogenic. This sequence change creates a premature translational stop signal (p.Val601Profs*6) in the FANCA gene. It is expected to result in an absent or disrupted protein product. This variant is not present in population databases (ExAC no frequency). This variant has not been reported in the literature in individuals with FANCA-related conditions. ClinVar contains an entry for this variant (Variation ID: 555645).

Counsyl
Classification: Likely pathogenic for Fanconi anemia complementation group A. Last evaluated: 2017-12-18. Review status: no assertion criteria provided. Collection method: clinical testing. Allele origin: unknown. Not counted in ClinVar's aggregate classification.

Literature cited by the submitters: PubMed 19367192 (cited by Labcorp Genetics (formerly Invitae), Labcorp).